The following is an entry in ClinVar:

ClinVar aggregate classification (germline): Conflicting classifications of pathogenicity. Review status: criteria provided, conflicting classifications (1 of 4 stars). 2 submissions from 2 submitters: Uncertain significance (1); Likely benign (1). Last evaluated 2026-05-21.

Conditions:
Hereditary cancer-predisposing syndrome. Also called: Hereditary Cancer Syndrome; Neoplastic Syndromes, Hereditary; Tumor predisposition; Hereditary neoplastic syndrome. Identifiers: Orphanet 140162, MedGen C0027672, MeSH D009386, MONDO:0015356.
Oligodontia-cancer predisposition syndrome. Also called: TOOTH AGENESIS-COLORECTAL CANCER SYNDROME. Identifiers: Orphanet 300576, MedGen C1837750, MONDO:0012075, OMIM 608615. Disease mechanism: loss of function.

Allele frequency attached by ClinVar (database versions not stated): gnomAD exomes below 0.00001.
gnomAD v4.1: 4 of 1,614,178 alleles (0.00025%); highest among the groups gnomAD compares: Non-Finnish European, 0.00034%; no homozygotes.

Submissions (2):

Ambry Genetics
Classification: Likely benign for Hereditary cancer-predisposing syndrome. Last evaluated: 2026-05-21. Review status: criteria provided, single submitter. Criteria: Ambry Variant Classification Scheme 2023. Collection method: clinical testing. Allele origin: germline.

Labcorp Genetics (formerly Invitae), Labcorp
Classification: Uncertain significance for Oligodontia-cancer predisposition syndrome. Last evaluated: 2019-06-30. Review status: criteria provided, single submitter. Criteria: Invitae Variant Classification Sherloc (09022015). Collection method: clinical testing. Allele origin: germline.
Comment: In summary, the available evidence is currently insufficient to determine the role of this variant in disease. Therefore, it has been classified as a Variant of Uncertain Significance. Algorithms developed to predict the effect of missense changes on protein structure and function (SIFT, PolyPhen-2, Align-GVGD) all suggest that this variant is likely to be tolerated, but these predictions have not been confirmed by published functional studies and their clinical significance is uncertain. This variant has not been reported in the literature in individuals with AXIN2-related conditions. This variant is not present in population databases (ExAC no frequency). This sequence change replaces threonine with serine at codon 97 of the AXIN2 protein (p.Thr97Ser). The threonine residue is moderately conserved and there is a small physicochemical difference between threonine and serine.

NM_004655.4(AXIN2):c.289A>T (p.Thr97Ser)

Gene: AXIN2 (axin 2; minus strand). Cytogenetic location: 17q24.1.
Variant type: single nucleotide variant.
Coding change: c.289A>T on transcript NM_004655.4 (MANE Select); coding-DNA position 289, A replaced by T.
Protein change: p.Thr97Ser; replaces threonine 97 with serine.
Molecular consequence: missense variant.
Genome position (GRCh38, 1-based): chr17:65,558,332, T>A on the plus strand (A>T on the coding strand, the complement: AXIN2 is on the minus strand). VCF-style: chr17-65558332-T-A. GRCh37 (hg19) VCF-style: chr17-63554450-T-A.
Other names: c.289A>T, p.Thr97Ser (NM_001363813.1); short protein forms T97S.
Identifiers: ClinVar variation 938951 (VCV000938951.10), dbSNP rs2044304799, ClinGen allele CA400681728.